The following is an entry in ClinVar:

NM_003824.4(FADD):c.52A>C (p.Ser18Arg)

Gene: FADD (Fas associated via death domain; plus strand). Cytogenetic location: 11q13.3.
Variant type: single nucleotide variant.
Coding change: c.52A>C on transcript NM_003824.4 (MANE Select); coding-DNA position 52, A replaced by C.
Protein change: p.Ser18Arg; replaces serine 18 with arginine.
Molecular consequence: missense variant.
Genome position (GRCh38, 1-based): chr11:70,203,511, A>C. VCF-style: chr11-70203511-A-C. GRCh37 (hg19) VCF-style: chr11-70049617-A-C.
Other names: short protein forms S18R.
Identifiers: ClinVar variation 935209 (VCV000935209.6), dbSNP rs1408886315, ClinGen allele CA381664956.

ClinVar aggregate classification (germline): Uncertain significance. Review status: criteria provided, multiple submitters, no conflicts (2 of 4 stars). 2 submissions from 2 submitters: Uncertain significance (2). Last evaluated 2024-03-25.

Conditions:
Inborn genetic diseases. Identifiers: MedGen C0950123, MeSH D030342.
FADD-related immunodeficiency. Also called: Infections, recurrent, with encephalopathy, hepatic dysfunction, and cardiovascular malformations; FADD DEFICIENCY. Identifiers: Orphanet 306550, MedGen C3151062, MONDO:0013408, OMIM 613759.

Allele frequency attached by ClinVar (database versions not stated): TOPMed below 0.00001; gnomAD 0.00002.
gnomAD v4.1: 35 of 1,608,782 alleles (0.0022%); highest among the groups gnomAD compares: Admixed American, 0.0034%; no homozygotes.

Submissions (2):

Ambry Genetics
Classification: Uncertain significance for Inborn genetic diseases. Last evaluated: 2024-03-25. Review status: criteria provided, single submitter. Criteria: Ambry Variant Classification Scheme 2023. Collection method: clinical testing. Allele origin: germline.

Labcorp Genetics (formerly Invitae), Labcorp
Classification: Uncertain significance for FADD-related immunodeficiency. Last evaluated: 2022-02-21. Review status: criteria provided, single submitter. Criteria: Invitae Variant Classification Sherloc (09022015). Collection method: clinical testing. Allele origin: germline.
Comment: This sequence change replaces serine, which is neutral and polar, with arginine, which is basic and polar, at codon 18 of the FADD protein (p.Ser18Arg). This variant is present in population databases (no rsID available, gnomAD 0.003%). This variant has not been reported in the literature in individuals affected with FADD-related conditions. ClinVar contains an entry for this variant (Variation ID: 935209). Algorithms developed to predict the effect of missense changes on protein structure and function are either unavailable or do not agree on the potential impact of this missense change (SIFT: "Deleterious"; PolyPhen-2: "Benign"; Align-GVGD: "Class C15"). In summary, the available evidence is currently insufficient to determine the role of this variant in disease. Therefore, it has been classified as a Variant of Uncertain Significance.